The following is an entry in ClinVar:

NM_001001344.3(ATP2B3):c.3313T>A (p.Phe1105Ile)

Gene: ATP2B3 (ATPase plasma membrane Ca2+ transporting 3; plus strand). Cytogenetic location: Xq28.
Variant type: single nucleotide variant.
Coding change: c.3313T>A on transcript NM_001001344.3 (MANE Select); coding-DNA position 3313, T replaced by A.
Protein change: p.Phe1105Ile; replaces phenylalanine 1105 with isoleucine.
Molecular consequence: missense variant.
Genome position (GRCh38, 1-based): chrX:153,565,074, T>A. VCF-style: chrX-153565074-T-A. GRCh37 (hg19) VCF-style: chrX-152830532-T-A.
Other names: c.3313T>A, p.Phe1105Ile (NM_001388360.1, NM_001388361.1, NM_001388362.1 and 1 more transcripts); short protein forms F1105I.
Identifiers: ClinVar variation 560961 (VCV000560961.2), dbSNP rs1569535623, ClinGen allele CA415078394.
Genomic context (GRCh38, chrX:153,565,074, plus strand): 5'-GAAGGCGAGGAAGAGATCGACCATGCCGAGCGGGAGCTCCGCAGGGGCCAGATCCTCTGG[T>A]TCCGGGGCCTGAACCGGATTCAGACGCAGGTAAGCCCCGACTCGCTCTCGCCCTGGCACT-3'
Protein context (NP_001001344.1, residues 1095-1115): RELRRGQILW[Phe1105Ile]RGLNRIQTQI

ClinVar aggregate classification (germline): Uncertain significance (1 of 4 stars; one submission).

Conditions:
X-linked progressive cerebellar ataxia. Also called: OLIVOPONTOCEREBELLAR ATROPHY, X-LINKED; OPCA, X-LINKED; Spinocerebellar ataxia, X-linked 1. Identifiers: Orphanet 1175, MedGen C0796205, MONDO:0010547, OMIM 302500.

Submission:

Baylor Genetics
Classification: Uncertain significance for X-linked progressive cerebellar ataxia. Last evaluated: 2017-09-01. Review status: criteria provided, single submitter. Criteria: ACMG Guidelines, 2015. Collection method: clinical testing. Allele origin: de novo. Inheritance: X-linked inheritance. Affected: yes.

Literature cited by the submitters: PubMed 25326635.